The following is an entry in ClinVar:

NM_000256.3(MYBPC3):c.1187G>A (p.Trp396Ter)

Gene: MYBPC3 (myosin binding protein C3; minus strand). Cytogenetic location: 11p11.2.
Variant type: single nucleotide variant.
Coding change: c.1187G>A on transcript NM_000256.3 (MANE Select); coding-DNA position 1187, G replaced by A.
Protein change: p.Trp396Ter; replaces tryptophan 396 with a stop codon.
Molecular consequence: nonsense.
Genome position (GRCh38, 1-based): chr11:47,343,528, C>T on the plus strand (G>A on the coding strand, the complement: MYBPC3 is on the minus strand). VCF-style: chr11-47343528-C-T. GRCh37 (hg19) VCF-style: chr11-47365079-C-T.
Other names: short protein forms W396*.
Identifiers: ClinVar variation 2428930 (VCV002428930.4), dbSNP rs2495765534, ClinGen allele CA380328717.

ClinVar aggregate classification (germline): Pathogenic (1 of 4 stars; one submission).

Submission:

GeneDx
Classification: Pathogenic. Last evaluated: 2023-02-03. Review status: criteria provided, single submitter. Criteria: GeneDx Variant Classification Process June 2021. Collection method: clinical testing. Allele origin: germline.
Comment: Nonsense variant predicted to result in protein truncation or nonsense mediated decay in a gene for which loss of function is a known mechanism of disease; Not observed at significant frequency in large population cohorts (gnomAD); This variant is associated with the following publications: (PMID: 23283745)